The following is an entry in ClinVar:

ClinVar aggregate classification (germline): Uncertain significance. Review status: criteria provided, multiple submitters, no conflicts (2 of 4 stars). 2 submissions from 2 submitters: Uncertain significance (2). Last evaluated 2021-06-10.

Allele frequency attached by ClinVar (database versions not stated): gnomAD 0.00003; TOPMed 0.00003.

Submissions (2):

Blueprint Genetics
Classification: Uncertain significance. Last evaluated: 2021-06-10. Review status: criteria provided, single submitter. Criteria: ACMG Guidelines, 2015. Collection method: clinical testing. Allele origin: germline.

Labcorp Genetics (formerly Invitae), Labcorp
Classification: Uncertain significance. Last evaluated: 2021-02-12. Review status: criteria provided, single submitter. Criteria: Invitae Variant Classification Sherloc (09022015). Collection method: clinical testing. Allele origin: germline.
Comment: In summary, the available evidence is currently insufficient to determine the role of this variant in disease. Therefore, it has been classified as a Variant of Uncertain Significance. Algorithms developed to predict the effect of missense changes on protein structure and function are either unavailable or do not agree on the potential impact of this missense change (SIFT: "Deleterious"; PolyPhen-2: "Possibly Damaging"; Align-GVGD: "Class C0"). This variant has not been reported in the literature in individuals with SAMD11-related conditions. This variant is present in population databases (rs766920989, ExAC 0.01%). This sequence change replaces glutamic acid with lysine at codon 124 of the SAMD11 protein (p.Glu124Lys). The glutamic acid residue is moderately conserved and there is a small physicochemical difference between glutamic acid and lysine.

NM_001385641.1(SAMD11):c.907G>A (p.Glu303Lys)

Gene: SAMD11 (sterile alpha motif domain containing 11; plus strand). Cytogenetic location: 1p36.33.
Variant type: single nucleotide variant.
Coding change: c.907G>A on transcript NM_001385641.1 (MANE Select); coding-DNA position 907, G replaced by A.
Protein change: p.Glu303Lys; replaces glutamic acid 303 with lysine.
Molecular consequence: missense variant.
Genome position (GRCh38, 1-based): chr1:935,836, G>A. VCF-style: chr1-935836-G-A. GRCh37 (hg19) VCF-style: chr1-871216-G-A.
Other names: c.907G>A, p.Glu303Lys (NM_001385640.1); c.370G>A, p.Glu124Lys (NM_152486.4); short protein forms E303K, E124K.
Identifiers: ClinVar variation 1494564 (VCV001494564.7), dbSNP rs766920989, ClinGen allele CA502581.